The following is an entry in ClinVar:

NM_001042492.3(NF1):c.1737_1738del (p.Phe579fs)

Gene: NF1 (neurofibromin 1; plus strand). Cytogenetic location: 17q11.2.
Variant type: Deletion.
Coding change: c.1737_1738del on transcript NM_001042492.3 (MANE Select); coding-DNA positions 1737 to 1738, 2 bases deleted (TT; older notation c.1737_1738delTT).
Protein change: p.Phe579fs; shifts the reading frame from phenylalanine 579.
Molecular consequence: frameshift variant.
Genome position (GRCh38, 1-based): chr17:31,223,459-31,223,460, TT deleted; deleting any 2 consecutive bases within chr17:31,223,455-31,223,460 gives the same sequence; the c. name uses the placement nearest the transcript's 3' end. VCF-style (leftmost placement, unchanged base first): chr17-31223454-CTT-C. GRCh37 (hg19) VCF-style: chr17-29550472-CTT-C.
Other names: c.1737_1738del, p.Phe579fs (NM_000267.4); short protein forms F579fs.
Identifiers: ClinVar variation 4763883 (VCV004763883.2).
Genomic context (GRCh38, chr17:31,223,454, plus strand): 5'-GCATTAGGTTATTGATGATGCTAGTAACAATGAACTTTATGTTACTGCAGCTCACAAATG[CTT>C]TTTTACATCTGCAAGAAATTAACTAGTCATCAAATGCTTAGTAGCACAGAAATTCTCAAG-3'

ClinVar aggregate classification (germline): Pathogenic. Review status: criteria provided, multiple submitters, no conflicts (2 of 4 stars). 2 submissions from 2 submitters: Pathogenic (2). Last evaluated 2025-10-01.

Conditions:
NF1-related disorder. Also called: NF1-related condition. Identifiers: MedGen CN379171.
Neurofibromatosis, type 1 (NF1). Also called: VON RECKLINGHAUSEN DISEASE; NEUROFIBROMATOSIS, TYPE I, SOMATIC; Peripheral type neurofibromatosis; Neurofibromatosis, type I. Identifiers: Orphanet 636, MedGen C0027831, MONDO:0018975, OMIM 162200. Disease mechanism: loss of function.

Submissions (2):

Labcorp Genetics (formerly Invitae), Labcorp
Classification: Pathogenic for Neurofibromatosis, type 1. Last evaluated: 2025-10-01. Review status: criteria provided, single submitter. Criteria: Invitae Variant Classification Sherloc (09022015). Collection method: clinical testing. Allele origin: germline.
Comment: This sequence change creates a premature translational stop signal (p.Phe579Leufs*8) in the NF1 gene. It is expected to result in an absent or disrupted protein product. Loss-of-function variants in NF1 are known to be pathogenic (PMID: 10712197, 23913538). This variant is not present in population databases (gnomAD no frequency). This premature translational stop signal has been observed in individual(s) with neurofibromatosis type 1 (PMID: 31776437). For these reasons, this variant has been classified as Pathogenic.

Blueprint Genetics
Classification: Pathogenic for NF1-related disorders. Last evaluated: 2022-06-07. Review status: criteria provided, single submitter. Criteria: ACMG Guidelines, 2015. Collection method: clinical testing. Allele origin: germline. Affected: yes. Observed: 1 variant allele.

Literature cited by the submitters: PubMed 10712197 (cited by Labcorp Genetics (formerly Invitae), Labcorp); PubMed 23913538 (cited by Labcorp Genetics (formerly Invitae), Labcorp); PubMed 31776437 (cited by Labcorp Genetics (formerly Invitae), Labcorp).